The following is an entry in ClinVar:

NM_003002.4(SDHD):c.64C>A (p.Arg22=)

Gene: SDHD (succinate dehydrogenase complex subunit D; plus strand). Cytogenetic location: 11q23.1.
Variant type: single nucleotide variant.
Coding change: c.64C>A on transcript NM_003002.4 (MANE Select); coding-DNA position 64, C replaced by A.
Protein change: p.Arg22=; no amino-acid change (arginine 22 retained).
Molecular consequence: synonymous variant. On other transcripts: non-coding transcript variant (1), intron variant (1).
Genome position (GRCh38, 1-based): chr11:112,087,868, C>A. VCF-style: chr11-112087868-C-A. GRCh37 (hg19) VCF-style: chr11-111958592-C-A.
Other names: c.64C>A, p.Arg22= (NM_001276503.2, NM_001276506.2); c.52+909C>A (NM_001276504.2).
Identifiers: ClinVar variation 1055597 (VCV001055597.8), dbSNP rs104894306, ClinGen allele CA476789498.

ClinVar aggregate classification (germline): Uncertain significance (1 of 4 stars; one submission).

Conditions:
Carney-Stratakis syndrome. Also called: PARAGANGLIOMA AND GASTROINTESTINAL STROMAL TUMOR. Identifiers: Orphanet 97286, MedGen C1847319, MONDO:0011740, OMIM 606864.
Cowden syndrome 3 (CWS3). Identifiers: Orphanet 201, MedGen CN166604, MONDO:0014045.
Paragangliomas with sensorineural hearing loss. Identifiers: MedGen C1868633.
Pheochromocytoma. Also called: MAX-Related Hereditary Paraganglioma-Pheochromocytoma Syndrome. Identifiers: Orphanet 29072, MedGen C0031511, MONDO:0008233, OMIM 171300, HP:0002666.

Submission:

Labcorp Genetics (formerly Invitae), Labcorp
Classification: Uncertain significance for Carney-Stratakis syndrome; Paragangliomas with sensorineural hearing loss; Pheochromocytoma; Cowden syndrome 3. Last evaluated: 2025-12-24. Review status: criteria provided, single submitter. Criteria: Invitae Variant Classification Sherloc (09022015). Collection method: clinical testing. Allele origin: germline.
Comment: This sequence change affects codon 22 of the SDHD mRNA. It is a 'silent' change, meaning that it does not change the encoded amino acid sequence of the SDHD protein. This variant is not present in population databases (gnomAD no frequency). This variant has not been reported in the literature in individuals affected with SDHD-related conditions. ClinVar contains an entry for this variant (Variation ID: 1055597). Algorithms developed to predict the effect of sequence changes on RNA splicing suggest that this variant may disrupt the consensus splice site. In summary, the available evidence is currently insufficient to determine the role of this variant in disease. Therefore, it has been classified as a Variant of Uncertain Significance.